The following is an entry in ClinVar:

ClinVar aggregate classification (germline): Uncertain significance. Review status: criteria provided, multiple submitters, no conflicts (2 of 4 stars). 4 submissions from 4 submitters: Uncertain significance (4). Last evaluated 2024-03-13.

Conditions:
Ehlers-Danlos syndrome, classic type, 1 (EDSCL1). Also called: Ehlers-Danlos Syndrome, Classic Type, COL5A1-Related; EDS I; Ehlers-Danlos syndrome, type 1; EHLERS-DANLOS SYNDROME, GRAVIS TYPE; EHLERS-DANLOS SYNDROME, SEVERE CLASSIC TYPE. Identifiers: MedGen C0268335, MONDO:0019567, OMIM 130000.
Ehlers-Danlos syndrome (EDS). Identifiers: Orphanet 98249, MedGen C0013720, MONDO:0020066.

Allele frequency attached by ClinVar (database versions not stated): TOPMed below 0.00001; ExAC 0.00002; gnomAD exomes 0.00001.

Submissions (4):

Labcorp Genetics (formerly Invitae), Labcorp
Classification: Uncertain significance for Ehlers-Danlos syndrome, classic type, 1. Last evaluated: 2024-03-13. Review status: criteria provided, single submitter. Criteria: Invitae Variant Classification Sherloc (09022015). Collection method: clinical testing. Allele origin: germline.
Comment: This sequence change replaces threonine, which is neutral and polar, with alanine, which is neutral and non-polar, at codon 1057 of the COL5A2 protein (p.Thr1057Ala). This variant is present in population databases (rs768663426, gnomAD 0.002%). This variant has not been reported in the literature in individuals affected with COL5A2-related conditions. ClinVar contains an entry for this variant (Variation ID: 577774). Advanced modeling of protein sequence and biophysical properties (such as structural, functional, and spatial information, amino acid conservation, physicochemical variation, residue mobility, and thermodynamic stability) performed at Invitae indicates that this missense variant is not expected to disrupt COL5A2 protein function with a negative predictive value of 80%. In summary, the available evidence is currently insufficient to determine the role of this variant in disease. Therefore, it has been classified as a Variant of Uncertain Significance.

GeneDx
Classification: Uncertain significance. Last evaluated: 2022-11-07. Review status: criteria provided, single submitter. Criteria: GeneDx Variant Classification Process June 2021. Collection method: clinical testing. Allele origin: germline. Affected: yes.
Comment: Not observed at significant frequency in large population cohorts (gnomAD); In silico analysis supports that this missense variant does not alter protein structure/function; Has not been previously published as pathogenic or benign to our knowledge

Genome Diagnostics Laboratory, The Hospital for Sick Children
Classification: Uncertain significance for Ehlers-Danlos syndrome. Last evaluated: 2018-12-01. Review status: criteria provided, single submitter. Criteria: ACMG Guidelines, 2015. Collection method: clinical testing. Allele origin: germline.

Breakthrough Genomics
Classification: Uncertain significance. Review status: criteria provided, single submitter. Criteria: ACMG Guidelines, 2015. Collection method: not provided. Allele origin: germline. Inheritance: Autosomal dominant inheritance. Affected: yes.

NM_000393.5(COL5A2):c.3169A>G (p.Thr1057Ala)

Gene: COL5A2 (collagen type V alpha 2 chain; minus strand). Cytogenetic location: 2q32.2.
Variant type: single nucleotide variant.
Coding change: c.3169A>G on transcript NM_000393.5 (MANE Select); coding-DNA position 3169, A replaced by G.
Protein change: p.Thr1057Ala; replaces threonine 1057 with alanine.
Molecular consequence: missense variant.
Genome position (GRCh38, 1-based): chr2:189,048,241, T>C on the plus strand (A>G on the coding strand, the complement: COL5A2 is on the minus strand). VCF-style: chr2-189048241-T-C. GRCh37 (hg19) VCF-style: chr2-189912967-T-C.
Other names: short protein forms T1057A.
Identifiers: ClinVar variation 577774 (VCV000577774.15), dbSNP rs768663426, ClinGen allele CA2022087.